The following is an entry in ClinVar:

NM_019892.6(INPP5E):c.799G>A (p.Asp267Asn)

Gene: INPP5E (inositol polyphosphate-5-phosphatase E; minus strand). Cytogenetic location: 9q34.3.
Variant type: single nucleotide variant.
Coding change: c.799G>A on transcript NM_019892.6 (MANE Select); coding-DNA position 799, G replaced by A.
Protein change: p.Asp267Asn; replaces aspartic acid 267 with asparagine.
Molecular consequence: missense variant.
Genome position (GRCh38, 1-based): chr9:136,438,621, C>T on the plus strand (G>A on the coding strand, the complement: INPP5E is on the minus strand). VCF-style: chr9-136438621-C-T. GRCh37 (hg19) VCF-style: chr9-139333073-C-T.
Other names: c.799G>A, p.Asp267Asn (NM_001318502.2); c.799G>A (NM_019892.5); short protein forms D267N.
Identifiers: ClinVar variation 1522888 (VCV001522888.7), dbSNP rs750943687, ClinGen allele CA5337075.

ClinVar aggregate classification (germline): Uncertain significance. Review status: criteria provided, multiple submitters, no conflicts (2 of 4 stars). 3 submissions from 3 submitters: Uncertain significance (2). 1 of the submissions does not count toward it. Last evaluated 2024-01-12.

Conditions:
INPP5E-related disorder. Also called: INPP5E-related condition.
Joubert syndrome. Also called: Familial aplasia of the vermis; JOUBERT-BOLTSHAUSER SYNDROME. Identifiers: Orphanet 475, MedGen C5979921, MONDO:0018772.

Allele frequency attached by ClinVar (database versions not stated): gnomAD exomes 0.00004 and 0.00017; ExAC 0.00005; gnomAD 0.00008; TOPMed 0.00008; 1000 Genomes Project 30x 0.00031.

Submissions (3):

Blueprint Genetics
Classification: Uncertain significance. Last evaluated: 2024-01-12. Review status: criteria provided, single submitter. Criteria: ACMG Guidelines, 2015. Collection method: clinical testing. Allele origin: germline.

Labcorp Genetics (formerly Invitae), Labcorp
Classification: Uncertain significance for Joubert syndrome. Last evaluated: 2022-09-13. Review status: criteria provided, single submitter. Criteria: Invitae Variant Classification Sherloc (09022015). Collection method: clinical testing. Allele origin: germline.
Comment: This sequence change replaces aspartic acid, which is acidic and polar, with asparagine, which is neutral and polar, at codon 267 of the INPP5E protein (p.Asp267Asn). This variant is present in population databases (rs750943687, gnomAD 0.01%). This variant has not been reported in the literature in individuals affected with INPP5E-related conditions. ClinVar contains an entry for this variant (Variation ID: 1522888). Advanced modeling of protein sequence and biophysical properties (such as structural, functional, and spatial information, amino acid conservation, physicochemical variation, residue mobility, and thermodynamic stability) has been performed at Invitae for this missense variant, however the output from this modeling did not meet the statistical confidence thresholds required to predict the impact of this variant on INPP5E protein function. In summary, the available evidence is currently insufficient to determine the role of this variant in disease. Therefore, it has been classified as a Variant of Uncertain Significance.

PreventionGenetics, part of Exact Sciences
Classification: Uncertain significance for INPP5E-related condition. Last evaluated: 2024-05-20. Review status: no assertion criteria provided. Collection method: clinical testing. Allele origin: germline. Not counted in ClinVar's aggregate classification.
Comment: The INPP5E c.799G>A variant is predicted to result in the amino acid substitution p.Asp267Asn. To our knowledge, this variant has not been reported in the literature. This variant is reported in 0.0089% of alleles in individuals of European (Non-Finnish) descent in gnomAD. At this time, the clinical significance of this variant is uncertain due to the absence of conclusive functional and genetic evidence.